The following is an entry in ClinVar:

ClinVar aggregate classification (germline): Uncertain significance (1 of 4 stars; one submission).

Conditions:
Inborn genetic diseases. Identifiers: MedGen C0950123, MeSH D030342.

Submission:

Ambry Genetics
Classification: Uncertain significance for Inborn genetic diseases. Last evaluated: 2018-03-23. Review status: criteria provided, single submitter. Criteria: Ambry Variant Classification Scheme 2023. Collection method: clinical testing. Allele origin: germline.
Comment: The p.D2392N variant (also known as c.7174G>A), located in coding exon 35 of the DYNC1H1 gene, results from a G to A substitution at nucleotide position 7174. The aspartic acid at codon 2392 is replaced by asparagine, an amino acid with highly similar properties. This amino acid position is highly conserved in available vertebrate species. In addition, this alteration is predicted to be tolerated by in silico analysis. Since supporting evidence is limited at this time, the clinical significance of this alteration remains unclear.

NM_001376.5(DYNC1H1):c.7174G>A (p.Asp2392Asn)

Gene: DYNC1H1 (dynein cytoplasmic 1 heavy chain 1; plus strand). Cytogenetic location: 14q32.31.
Variant type: single nucleotide variant.
Coding change: c.7174G>A on transcript NM_001376.5 (MANE Select); coding-DNA position 7174, G replaced by A.
Protein change: p.Asp2392Asn; replaces aspartic acid 2392 with asparagine.
Molecular consequence: missense variant.
Genome position (GRCh38, 1-based): chr14:102,015,264, G>A. VCF-style: chr14-102015264-G-A. GRCh37 (hg19) VCF-style: chr14-102481601-G-A.
Other names: short protein forms D2392N.
Identifiers: ClinVar variation 1757486 (VCV001757486.2), dbSNP rs2503765506, ClinGen allele CA391060323.